The following is an entry in ClinVar:

ClinVar aggregate classification (germline): Likely pathogenic. Review status: criteria provided, multiple submitters, no conflicts (2 of 4 stars). 3 submissions from 3 submitters: Likely pathogenic (3). Last evaluated 2024-05-07.

Conditions:
Vitamin D-dependent rickets type II with alopecia (VDDR2A). Also called: GENERALIZED RESISTANCE TO 1,25-DIHYDROXYVITAMIN D; HYPOCALCEMIC VITAMIN D-RESISTANT RICKETS; PDDR IIA; PSEUDOVITAMIN D-DEFICIENCY, TYPE IIA; RICKETS, HEREDITARY VITAMIN D-RESISTANT; RICKETS-ALOPECIA SYNDROME. Identifiers: Orphanet 93160, MedGen C0342646, MONDO:0010186, OMIM 277440.

Allele frequency attached by ClinVar (database versions not stated): gnomAD exomes below 0.00001.
gnomAD v4.1: 5 of 1,612,020 alleles (0.00031%); highest among the groups gnomAD compares: South Asian, 0.0011%; no homozygotes.

Submissions (3):

Fulgent Genetics
Classification: Likely pathogenic for Vitamin D-dependent rickets type II with alopecia. Last evaluated: 2024-05-07. Review status: criteria provided, single submitter. Criteria: ACMG Guidelines, 2015. Collection method: clinical testing. Allele origin: germline.

Women's Health and Genetics/Laboratory Corporation of America, LabCorp
Classification: Likely pathogenic for Vitamin D-dependent rickets type II with alopecia. Last evaluated: 2024-05-01. Review status: criteria provided, single submitter. Criteria: LabCorp Variant Classification Summary - May 2015. Collection method: clinical testing. Allele origin: germline.
Comment: Variant summary: VDR c.1027C>T (p.Arg343Cys) results in a non-conservative amino acid change located in the Nuclear hormone receptor, ligand-binding domain (IPR000536) of the encoded protein sequence in exon 11, three nucleotides from the intron 10/exon 11 splice acceptor site. Five of five in-silico tools predict a damaging effect of the variant on protein function. Consensus agreement among computation tools predict no significant impact on normal splicing. However, these predictions have yet to be confirmed by functional studies. The variant was absent in 249704 control chromosomes. c.1027C>T has been reported in the literature in homozygous individuals affected with Vitamin D-Dependent Rickets Type II (e.g. Mazen_2014, Thakur_2019). These data indicate that the variant is likely to be associated with disease. To our knowledge, no experimental evidence demonstrating an impact on protein function has been reported. The following publications have been ascertained in the context of this evaluation (PMID: 24859502, 30967742). ClinVar contains an entry for this variant (Variation ID: 381603). Based on the evidence outlined above, the variant was classified as likely pathogenic.

GeneDx
Classification: Likely pathogenic. Last evaluated: 2018-08-28. Review status: criteria provided, single submitter. Criteria: GeneDx Variant Classification (06012015). Collection method: clinical testing. Allele origin: germline. Affected: yes.
Comment: This individual's parents were confirmed to be heterozygous, and this variant was not present in 200 control chromosomes of Egyptian origin (Mazen et al., 2014). Additionally, R343C was not observed in approximately 6500 individuals of European and African American ancestry in the NHLBI Exome Sequencing Project, indicating it is not a common benign variant in these populations. The R343C variant is a non-conservative amino acid substitution, which occurs at a position that is conserved across species. In silico analysis predicts this variant is probably damaging to the protein structure/function. Therefore, the R343C variant is a strong candidate for a pathogenic variant, however the possibility it may be a rare benign variant cannot be excluded.

Literature cited by the submitters: PubMed 24859502 (cited by Women's Health and Genetics/Laboratory Corporation of America, LabCorp); PubMed 30967742 (cited by Women's Health and Genetics/Laboratory Corporation of America, LabCorp).

NM_000376.3(VDR):c.1027C>T (p.Arg343Cys)

Gene: VDR (vitamin D receptor; minus strand). Cytogenetic location: 12q13.11.
Variant type: single nucleotide variant.
Coding change: c.1027C>T on transcript NM_000376.3 (MANE Select); coding-DNA position 1027, C replaced by T.
Protein change: p.Arg343Cys; replaces arginine 343 with cysteine.
Molecular consequence: missense variant.
Genome position (GRCh38, 1-based): chr12:47,845,003, G>A on the plus strand (C>T on the coding strand, the complement: VDR is on the minus strand). VCF-style: chr12-47845003-G-A. GRCh37 (hg19) VCF-style: chr12-48238786-G-A.
Other names: c.1027C>T, p.Arg343Cys (NM_001017535.2, NM_001364085.2, NM_001374661.1 and 1 more transcripts); c.1177C>T, p.Arg393Cys (NM_001017536.2); short protein forms R343C, R393C.
Identifiers: ClinVar variation 381603 (VCV000381603.4), dbSNP rs1057521095, ClinGen allele CA16606541.